The following is an entry in ClinVar:

ClinVar aggregate classification (germline): Uncertain significance (1 of 4 stars; one submission).

Conditions:
Bethlem myopathy 1A. Also called: MYOPATHY, BENIGN CONGENITAL, WITH CONTRACTURES; Bethlem Muscular Dystrophy; Bethlem myopathy 1. Identifiers: Orphanet 610, MedGen CN029274, MONDO:0024530, OMIM 158810.

Submission:

Labcorp Genetics (formerly Invitae), Labcorp
Classification: Uncertain significance for Bethlem myopathy 1A. Last evaluated: 2024-11-11. Review status: criteria provided, single submitter. Criteria: Invitae Variant Classification Sherloc (09022015). Collection method: clinical testing. Allele origin: germline.
Comment: This variant, c.8758_8772dup, results in the insertion of 5 amino acid(s) of the COL6A3 protein (p.Ala2920_Ala2924dup), but otherwise preserves the integrity of the reading frame. This variant is not present in population databases (gnomAD no frequency). This variant has not been reported in the literature in individuals affected with COL6A3-related conditions. ClinVar contains an entry for this variant (Variation ID: 2037123). Experimental studies and prediction algorithms are not available or were not evaluated, and the functional significance of this variant is currently unknown. In summary, the available evidence is currently insufficient to determine the role of this variant in disease. Therefore, it has been classified as a Variant of Uncertain Significance.

NM_004369.4(COL6A3):c.8758_8772dup (p.Ala2924_Thr2925insAlaLysProValAla)

Gene: COL6A3 (collagen type VI alpha 3 chain; minus strand). Cytogenetic location: 2q37.3.
Variant type: Duplication.
Coding change: c.8758_8772dup on transcript NM_004369.4 (MANE Select); coding-DNA positions 8758 to 8772, 15 bases duplicated (GCCAAGCCTGTGGCC).
Protein change: p.Ala2924_Thr2925insAlaLysProValAla.
Genome position (GRCh38, 1-based): chr2:237,336,328-237,336,342, GGCCACAGGCTTGGC duplicated on the plus strand (GCCAAGCCTGTGGCC on the coding strand, the reverse complement: COL6A3 is on the minus strand). VCF-style (leftmost placement, unchanged base first): chr2-237336327-T-TGGCCACAGGCTTGGC. GRCh37 (hg19) VCF-style: chr2-238244970-T-TGGCCACAGGCTTGGC.
Other names: c.6937_6951dup, p.Ala2317_Thr2318insAlaLysProValAla (NM_057166.5); c.8140_8154dup, p.Ala2718_Thr2719insAlaLysProValAla (NM_057167.4).
Identifiers: ClinVar variation 2037123 (VCV002037123.4), dbSNP rs2469792309, ClinGen allele CA2580066110.